The following is an entry in ClinVar:

ClinVar aggregate classification (germline): Likely benign. Review status: criteria provided, multiple submitters, no conflicts (2 of 4 stars). 3 submissions from 3 submitters: Likely benign (3). Last evaluated 2025-03-20.

Conditions:
RYR1-related disorder. Also called: RYR1-related condition; RYR1-related disorders. Identifiers: MedGen CN239331.
Malignant hyperthermia, susceptibility to, 1 (MHS1). Also called: RYR1-Related Malignant Hyperthermia Susceptibility; Anesthesia related hyperthermia; Malignant hyperpyrexia; Fulminating hyperpyrexia; Pharmacogenic myopathy; Malignant hyperthermia suceptibility 1. Identifiers: Orphanet 423, MedGen C2930980, MONDO:0007783, OMIM 145600.

Allele frequency attached by ClinVar (database versions not stated): ExAC 0.00001; gnomAD exomes 0.00001; gnomAD 0.00002; TOPMed 0.00002.
gnomAD v4.1: 14 of 1,613,988 alleles (0.00087%); highest among the groups gnomAD compares: African/African-American, 0.004%; no homozygotes.

Submissions (3):

Labcorp Genetics (formerly Invitae), Labcorp
Classification: Likely benign for RYR1-related disorder. Last evaluated: 2025-03-20. Review status: criteria provided, single submitter. Criteria: Invitae Variant Classification Sherloc (09022015). Collection method: clinical testing. Allele origin: germline.

All of Us Research Program, National Institutes of Health
Classification: Likely benign for Malignant hyperthermia, susceptibility to, 1. Last evaluated: 2023-12-18. Review status: criteria provided, single submitter. Criteria: ACMG Guidelines, 2015. Collection method: clinical testing. Allele origin: germline. Inheritance: Autosomal dominant inheritance. Observed: 2 variant alleles, 2 heterozygotes.
Comment: This variant is located in the RYR1 protein. To our knowledge, functional studies have not been reported for this variant. This variant has not been reported in individuals affected with RYR1-related disorders in the literature. This variant has been identified in 3/251430 chromosomes in the general population by the Genome Aggregation Database (gnomAD). The available evidence is insufficient to determine the role of this variant in disease conclusively. Therefore, this variant is classified as a Variant of Uncertain Significance.

This study involves interpretation of variants in research participants for the purpose of population health screening. Participant phenotype was not available at the time of variant classification. Additional details can be found in publication PMID: 35346344, PMCID: PMC8962531

Color Diagnostics, LLC DBA Color Health
Classification: Likely benign for Malignant hyperthermia, susceptibility to, 1. Last evaluated: 2023-11-29. Review status: criteria provided, single submitter. Criteria: ACMG Guidelines, 2015. Collection method: clinical testing. Allele origin: germline.

NM_000540.3(RYR1):c.2250C>T (p.Ser750=)

Gene: RYR1 (ryanodine receptor 1; plus strand). Cytogenetic location: 19q13.2.
Variant type: single nucleotide variant.
Coding change: c.2250C>T on transcript NM_000540.3 (MANE Select); coding-DNA position 2250, C replaced by T.
Protein change: p.Ser750=; no amino-acid change (serine 750 retained).
Molecular consequence: synonymous variant.
Genome position (GRCh38, 1-based): chr19:38,459,228, C>T. VCF-style: chr19-38459228-C-T. GRCh37 (hg19) VCF-style: chr19-38949868-C-T.
Other names: c.2250C>T, p.Ser750= (NM_001042723.2).
Identifiers: ClinVar variation 3069848 (VCV003069848.3), dbSNP rs757437865, ClinGen allele CA063050.
Genomic context (GRCh38, chr19:38,459,228, plus strand): 5'-TTCCCCAGGGCAGCACCTCCTGGCCCCTGAAGACGTGATCAGCTGCTGCCTGGACCTCAG[C>T]GTGCCGTCCATCTCCTTCCGCATCAACGGCTGCCCCGTGCAGGGTGTCTTTGAGTCCTTC-3'
Protein context (NP_000531.2, residues 740-760): EDVISCCLDL[Ser750=]VPSISFRING